The following is an entry in ClinVar:

NM_000611.6(CD59):c.89A>G (p.Asn30Ser)

Gene: CD59 (CD59 molecule (CD59 blood group); minus strand). Cytogenetic location: 11p13.
Variant type: single nucleotide variant.
Coding change: c.89A>G on transcript NM_000611.6 (MANE Select); coding-DNA position 89, A replaced by G.
Protein change: p.Asn30Ser; replaces asparagine 30 with serine.
Molecular consequence: missense variant.
Genome position (GRCh38, 1-based): chr11:33,717,450, T>C on the plus strand (A>G on the coding strand, the complement: CD59 is on the minus strand). VCF-style: chr11-33717450-T-C. GRCh37 (hg19) VCF-style: chr11-33738996-T-C.
Other names: c.89A>G, p.Asn30Ser (NM_001127223.1, NM_001127225.2, NM_001127226.2 and 4 more transcripts); short protein forms N30S.
Identifiers: ClinVar variation 2635967 (VCV002635967.1), dbSNP rs769967114, ClinGen allele CA219600074.

ClinVar aggregate classification (germline): Uncertain significance (1 of 4 stars; one submission).

Conditions:
CD59-related disorder. Also called: CD59-related condition.

Allele frequency attached by ClinVar (database versions not stated): gnomAD exomes 0.00001.

Submission:

PreventionGenetics, part of Exact Sciences
Classification: Uncertain significance for CD59-related condition. Last evaluated: 2022-12-14. Review status: criteria provided, single submitter. Criteria: ACMG Guidelines, 2015. Collection method: clinical testing. Allele origin: germline.
Comment: The CD59 c.89A>G variant is predicted to result in the amino acid substitution p.Asn30Ser. To our knowledge, this variant has not been reported in the literature or in a large population database, indicating this variant is rare. At this time, the clinical significance of this variant is uncertain due to the absence of conclusive functional and genetic evidence.